The following is an entry in ClinVar:

NM_001374675.1(HSF4):c.1196G>A (p.Gly399Asp)

Gene: HSF4 (heat shock transcription factor 4; plus strand). Cytogenetic location: 16q22.1.
Variant type: single nucleotide variant.
Coding change: c.1196G>A on transcript NM_001374675.1 (MANE Select); coding-DNA position 1196, G replaced by A.
Protein change: p.Gly399Asp; replaces glycine 399 with aspartic acid.
Molecular consequence: missense variant.
Genome position (GRCh38, 1-based): chr16:67,169,043, G>A. VCF-style: chr16-67169043-G-A. GRCh37 (hg19) VCF-style: chr16-67202946-G-A.
Other names: c.1196G>A, p.Gly399Asp (NM_001040667.3); c.1106G>A, p.Gly369Asp (NM_001374674.1, NM_001538.4); c.1106G>A (NM_001538.3); short protein forms G399D, G369D.
Identifiers: ClinVar variation 1361319 (VCV001361319.7), dbSNP rs199896245, ClinGen allele CA8102111.

ClinVar aggregate classification (germline): Uncertain significance. Review status: criteria provided, multiple submitters, no conflicts (2 of 4 stars). 2 submissions from 2 submitters: Uncertain significance (2). Last evaluated 2025-02-25.

Conditions:
Cataract 5 multiple types (CTRCT5). Also called: CATARACT 5, LAMELLAR; CATARACT, MARNER TYPE; Lamellar cataract. Identifiers: Orphanet 91492, MedGen C0266537, MONDO:0007290, OMIM 116800, HP:0007971.
Inborn genetic diseases. Identifiers: MedGen C0950123, MeSH D030342.

Allele frequency attached by ClinVar (database versions not stated): gnomAD exomes 0.00002 and 0.00003; ExAC 0.00003; gnomAD 0.00004 and 0.00005; TOPMed 0.00005; 1000 Genomes Project 30x 0.00016; 1000 Genomes Project 0.00020.
gnomAD v4.1: 77 of 1,613,980 alleles (0.0048%); highest among the groups gnomAD compares: African/African-American, 0.056%; 1 homozygote.

Submissions (2):

Ambry Genetics
Classification: Uncertain significance for Inborn genetic diseases. Last evaluated: 2025-02-25. Review status: criteria provided, single submitter. Criteria: Ambry Variant Classification Scheme 2023. Collection method: clinical testing. Allele origin: germline.

Labcorp Genetics (formerly Invitae), Labcorp
Classification: Uncertain significance for Cataract 5 multiple types. Last evaluated: 2024-10-14. Review status: criteria provided, single submitter. Criteria: Invitae Variant Classification Sherloc (09022015). Collection method: clinical testing. Allele origin: germline.
Comment: This sequence change replaces glycine, which is neutral and non-polar, with aspartic acid, which is acidic and polar, at codon 369 of the HSF4 protein (p.Gly369Asp). This variant is present in population databases (rs199896245, gnomAD 0.02%). This variant has not been reported in the literature in individuals affected with HSF4-related conditions. ClinVar contains an entry for this variant (Variation ID: 1361319). Invitae Evidence Modeling of protein sequence and biophysical properties (such as structural, functional, and spatial information, amino acid conservation, physicochemical variation, residue mobility, and thermodynamic stability) indicates that this missense variant is not expected to disrupt HSF4 protein function with a negative predictive value of 80%. In summary, the available evidence is currently insufficient to determine the role of this variant in disease. Therefore, it has been classified as a Variant of Uncertain Significance.